The following is an entry in ClinVar:

NM_004341.5(CAD):c.5513G>A (p.Arg1838His)

Gene: CAD (carbamoyl-phosphate synthetase 2, aspartate transcarbamylase, and dihydroorotase; plus strand). Cytogenetic location: 2p23.3.
Variant type: single nucleotide variant.
Coding change: c.5513G>A on transcript NM_004341.5 (MANE Select); coding-DNA position 5513, G replaced by A.
Protein change: p.Arg1838His; replaces arginine 1838 with histidine.
Molecular consequence: missense variant.
Genome position (GRCh38, 1-based): chr2:27,240,281, G>A. VCF-style: chr2-27240281-G-A. GRCh37 (hg19) VCF-style: chr2-27463149-G-A.
Other names: c.5513G>A (NM_004341.3); c.5324G>A, p.Arg1775His (NM_001306079.2); short protein forms R1775H, R1838H.
Identifiers: ClinVar variation 1415357 (VCV001415357.4), dbSNP rs199572743, ClinGen allele CA1573911.

ClinVar aggregate classification (germline): Uncertain significance. Review status: criteria provided, multiple submitters, no conflicts (2 of 4 stars). 2 submissions from 2 submitters: Uncertain significance (2). Last evaluated 2025-09-28.

Conditions:
Inborn genetic diseases. Identifiers: MedGen C0950123, MeSH D030342.

Allele frequency attached by ClinVar (database versions not stated): gnomAD 0.00007; gnomAD exomes 0.00007 and 0.00004; ExAC 0.00006; TOPMed 0.00008.

Submissions (2):

Ambry Genetics
Classification: Uncertain significance for Inborn genetic diseases. Last evaluated: 2025-09-28. Review status: criteria provided, single submitter. Criteria: Ambry Variant Classification Scheme 2023. Collection method: clinical testing. Allele origin: germline.

Labcorp Genetics (formerly Invitae), Labcorp
Classification: Uncertain significance. Last evaluated: 2022-08-15. Review status: criteria provided, single submitter. Criteria: Invitae Variant Classification Sherloc (09022015). Collection method: clinical testing. Allele origin: germline.
Comment: This sequence change replaces arginine, which is basic and polar, with histidine, which is basic and polar, at codon 1838 of the CAD protein (p.Arg1838His). This variant is present in population databases (rs199572743, gnomAD 0.02%). This variant has not been reported in the literature in individuals affected with CAD-related conditions. ClinVar contains an entry for this variant (Variation ID: 1415357). Algorithms developed to predict the effect of missense changes on protein structure and function are either unavailable or do not agree on the potential impact of this missense change (SIFT: "Deleterious"; PolyPhen-2: "Possibly Damaging"; Align-GVGD: "Class C0"). In summary, the available evidence is currently insufficient to determine the role of this variant in disease. Therefore, it has been classified as a Variant of Uncertain Significance.